The following is an entry in ClinVar:

ClinVar aggregate classification (germline): Uncertain significance. Review status: criteria provided, multiple submitters, no conflicts (2 of 4 stars). 2 submissions from 2 submitters: Uncertain significance (2). Last evaluated 2024-12-02.

Conditions:
Inborn genetic diseases. Identifiers: MedGen C0950123, MeSH D030342.
SDCCAG8-related disorder. Also called: SDCCAG8-Related Disorders; SDCCAG8-related condition.

Allele frequency attached by ClinVar (database versions not stated): ExAC 0.00001; gnomAD exomes 0.00001; TOPMed 0.00001.
gnomAD v4.1: 14 of 1,614,056 alleles (0.00087%); highest among the groups gnomAD compares: African/African-American, 0.0013%; no homozygotes.

Submissions (2):

PreventionGenetics, part of Exact Sciences
Classification: Uncertain significance for SDCCAG8-related condition. Last evaluated: 2024-12-02. Review status: criteria provided, single submitter. Criteria: ACMG Guidelines, 2015. Collection method: clinical testing. Allele origin: germline.
Comment: The SDCCAG8 c.1092G>T variant is predicted to result in the amino acid substitution p.Leu364Phe. To our knowledge, this variant has not been reported in the literature. This variant is reported in 0.0062% of alleles in individuals of African descent in gnomAD. At this time, the clinical significance of this variant is uncertain due to the absence of conclusive functional and genetic evidence.

Ambry Genetics
Classification: Uncertain significance for Inborn genetic diseases. Last evaluated: 2023-06-16. Review status: criteria provided, single submitter. Criteria: Ambry Variant Classification Scheme 2023. Collection method: clinical testing. Allele origin: germline.

NM_006642.5(SDCCAG8):c.1092G>T (p.Leu364Phe)

Gene: SDCCAG8 (SHH signaling and ciliogenesis regulator SDCCAG8; plus strand). Cytogenetic location: 1q43.
Variant type: single nucleotide variant.
Coding change: c.1092G>T on transcript NM_006642.5 (MANE Select); coding-DNA position 1092, G replaced by T.
Protein change: p.Leu364Phe; replaces leucine 364 with phenylalanine.
Molecular consequence: missense variant.
Genome position (GRCh38, 1-based): chr1:243,330,563, G>T. VCF-style: chr1-243330563-G-T. GRCh37 (hg19) VCF-style: chr1-243493865-G-T.
Other names: c.189G>T, p.Leu63Phe (NM_001350246.2, NM_001350247.2, NM_001350251.2); c.1188G>T, p.Leu396Phe (NM_001350248.2); c.798G>T, p.Leu266Phe (NM_001350249.2); short protein forms L364F, L396F, L266F, L63F.
Identifiers: ClinVar variation 2592172 (VCV002592172.3), dbSNP rs779109082, ClinGen allele CA1483553.